The following is an entry in ClinVar:

NM_007103.4(NDUFV1):c.1213C>T (p.Arg405Trp)

Genes: NDUFV1 (NADH:ubiquinone oxidoreductase core subunit V1; plus strand), LOC126861242 (CDK7 strongly-dependent group 2 enhancer GRCh37_chr11:67379204-67380403; plus strand). Cytogenetic location: 11q13.2.
Variant type: single nucleotide variant.
Coding change: c.1213C>T on transcript NM_007103.4 (MANE Select); coding-DNA position 1213, C replaced by T.
Protein change: p.Arg405Trp; replaces arginine 405 with tryptophan.
Molecular consequence: missense variant.
Genome position (GRCh38, 1-based): chr11:67,612,170, C>T. VCF-style: chr11-67612170-C-T. GRCh37 (hg19) VCF-style: chr11-67379641-C-T.
Other names: c.1186C>T, p.Arg396Trp (NM_001166102.2); short protein forms R396W, R405W.
Identifiers: ClinVar variation 996909 (VCV000996909.12), dbSNP rs145602077, ClinGen allele CA6143447.

ClinVar aggregate classification (germline): Uncertain significance. Review status: criteria provided, multiple submitters, no conflicts (2 of 4 stars). 7 submissions from 7 submitters: Uncertain significance (7). Last evaluated 2026-05-04.

Conditions:
Mitochondrial complex I deficiency, nuclear type 4. Also called: Mitochondrial complex 1 deficiency, nuclear type 4. Identifiers: MedGen C4748753, MONDO:0032609, OMIM 618225.
Mitochondrial complex I deficiency, nuclear type 1. Also called: NADH-COENZYME Q REDUCTASE DEFICIENCY; MITOCHONDRIAL NADH DEHYDROGENASE COMPONENT OF COMPLEX I, DEFICIENCY OF. Identifiers: MedGen C6022305, MONDO:0100224, OMIM 252010.
Inborn genetic diseases. Identifiers: MedGen C0950123, MeSH D030342.

Allele frequency attached by ClinVar (database versions not stated): gnomAD 0.00031; ESP Exome Variant Server 0.00038; gnomAD exomes 0.00006; TOPMed 0.00020; ExAC 0.00007; 1000 Genomes Project 0.00080; 1000 Genomes Project 30x 0.00094.

Submissions (7):

Women's Health and Genetics/Laboratory Corporation of America, LabCorp
Classification: Uncertain significance. Last evaluated: 2026-05-04. Review status: criteria provided, single submitter. Criteria: LabCorp Variant Classification Summary - May 2015. Collection method: clinical testing. Allele origin: germline.
Comment: Variant summary: NDUFV1 c.1213C>T (p.Arg405Trp) results in a non-conservative amino acid change located in the iron-sulphur binding domain (IPR019575) of the encoded protein sequence. Algorithms developed to predict the effect of missense changes on protein structure and function all suggest that this variant is likely to be disruptive. The variant allele was found at a frequency of 5.6e-05 in 251366 control chromosomes. This frequency is not significantly higher than estimated for disease-causing variants in NDUFV1, allowing no conclusion about variant significance. To our knowledge, no occurrence of c.1213C>T in individuals affected with NDUFV1-related conditions and no experimental evidence demonstrating its impact on protein function have been reported. ClinVar contains an entry for this variant (Variation ID: 996909). Based on the evidence outlined above, the variant was classified as uncertain significance.

Ambry Genetics
Classification: Uncertain significance for Inborn genetic diseases. Last evaluated: 2025-12-09. Review status: criteria provided, single submitter. Criteria: Ambry Variant Classification Scheme 2023. Collection method: clinical testing. Allele origin: germline.

GeneDx
Classification: Uncertain significance. Last evaluated: 2023-08-04. Review status: criteria provided, single submitter. Criteria: GeneDx Variant Classification Process June 2021. Collection method: clinical testing. Allele origin: germline. Affected: yes.
Comment: In silico analysis, which includes protein predictors and evolutionary conservation, supports a deleterious effect; Has not been previously published as pathogenic or benign to our knowledge

Labcorp Genetics (formerly Invitae), Labcorp
Classification: Uncertain significance. Last evaluated: 2022-08-06. Review status: criteria provided, single submitter. Criteria: Invitae Variant Classification Sherloc (09022015). Collection method: clinical testing. Allele origin: germline.
Comment: This sequence change replaces arginine, which is basic and polar, with tryptophan, which is neutral and slightly polar, at codon 405 of the NDUFV1 protein (p.Arg405Trp). This variant is present in population databases (rs145602077, gnomAD 0.1%). This variant has not been reported in the literature in individuals affected with NDUFV1-related conditions. ClinVar contains an entry for this variant (Variation ID: 996909). Advanced modeling of protein sequence and biophysical properties (such as structural, functional, and spatial information, amino acid conservation, physicochemical variation, residue mobility, and thermodynamic stability) performed at Invitae indicates that this missense variant is expected to disrupt NDUFV1 protein function. In summary, the available evidence is currently insufficient to determine the role of this variant in disease. Therefore, it has been classified as a Variant of Uncertain Significance.

New York Genome Center
Classification: Uncertain significance for Mitochondrial complex I deficiency, nuclear type 4. Last evaluated: 2019-10-02. Review status: criteria provided, single submitter. Criteria: NYGC Assertion Criteria 2020. Collection method: clinical testing. Allele origin: maternal. Inheritance: Autosomal recessive inheritance. Observed: 1 heterozygote. Study: CSER-NYCKidSeq.

Revvity Omics, Revvity
Classification: Uncertain significance for Mitochondrial complex I deficiency, nuclear type 4. Last evaluated: 2019-05-08. Review status: criteria provided, single submitter. Criteria: ACMG Guidelines, 2015. Collection method: clinical testing. Allele origin: germline.

Baylor Genetics
Classification: Uncertain significance for Mitochondrial complex I deficiency, nuclear type 1. Last evaluated: 2018-10-16. Review status: criteria provided, single submitter. Criteria: ACMG Guidelines, 2015. Collection method: clinical testing. Allele origin: unknown. Affected: yes.
Comment: This variant was determined to be of uncertain significance according to ACMG Guidelines, 2015 [PMID:25741868].